The following is an entry in ClinVar:

ClinVar aggregate classification (germline): Uncertain significance (1 of 4 stars; one submission).

Conditions:
Naxos disease (NXD). Also called: KERATOSIS PALMOPLANTARIS WITH ARRHYTHMOGENIC CARDIOMYOPATHY; MAL DE NAXOS; PALMOPLANTAR KERATODERMA WITH ARRHYTHMOGENIC RIGHT VENTRICULAR CARDIOMYOPATHY AND WOOLLY HAIR; CARDIOMYOPATHY, ARRHYTHMOGENIC RIGHT VENTRICULAR, WITH SKIN, HAIR, AND NAIL ABNORMALITIES; WOOLLY HAIR, PALMOPLANTAR KERATODERMA, AND CARDIAC ABNORMALITIES. Identifiers: Orphanet 34217, MedGen C1832600, MONDO:0011017, OMIM 601214.
Arrhythmogenic right ventricular dysplasia 12. Also called: ARRHYTHMOGENIC RIGHT VENTRICULAR DYSPLASIA, FAMILIAL, 12. Identifiers: MedGen C1969081, MONDO:0012684, OMIM 611528.

gnomAD v4.1: 1 of 1,613,292 alleles (0.000062%); highest among the groups gnomAD compares: Non-Finnish European, 0.000085%; no homozygotes.

Submission:

Labcorp Genetics (formerly Invitae), Labcorp
Classification: Uncertain significance for Arrhythmogenic right ventricular dysplasia 12; Naxos disease. Last evaluated: 2025-05-15. Review status: criteria provided, single submitter. Criteria: Invitae Variant Classification Sherloc (09022015). Collection method: clinical testing. Allele origin: germline.
Comment: This sequence change replaces proline, which is neutral and non-polar, with leucine, which is neutral and non-polar, at codon 725 of the JUP protein (p.Pro725Leu). This variant is not present in population databases (gnomAD no frequency). This variant has not been reported in the literature in individuals affected with JUP-related conditions. An algorithm developed to predict the effect of missense changes on protein structure and function (PolyPhen-2) suggests that this variant is likely to be tolerated. In summary, the available evidence is currently insufficient to determine the role of this variant in disease. Therefore, it has been classified as a Variant of Uncertain Significance.

NM_002230.4(JUP):c.2174C>T (p.Pro725Leu)

Gene: JUP (junction plakoglobin; minus strand). Cytogenetic location: 17q21.2.
Variant type: single nucleotide variant.
Coding change: c.2174C>T on transcript NM_002230.4 (MANE Select); coding-DNA position 2174, C replaced by T.
Protein change: p.Pro725Leu; replaces proline 725 with leucine.
Molecular consequence: missense variant.
Genome position (GRCh38, 1-based): chr17:41,755,808, G>A on the plus strand (C>T on the coding strand, the complement: JUP is on the minus strand). VCF-style: chr17-41755808-G-A. GRCh37 (hg19) VCF-style: chr17-39912060-G-A.
Other names: c.2174C>T, p.Pro725Leu (NM_001352773.2, NM_001352774.2, NM_001352775.2 and 3 more transcripts); short protein forms P725L.
Identifiers: ClinVar variation 4783845 (VCV004783845.1).